The following is an entry in ClinVar:

NM_003242.6(TGFBR2):c.1256T>A (p.Val419Glu)

Gene: TGFBR2 (transforming growth factor beta receptor 2; plus strand). Cytogenetic location: 3p24.1.
Variant type: single nucleotide variant.
Coding change: c.1256T>A on transcript NM_003242.6 (MANE Select); coding-DNA position 1256, T replaced by A.
Protein change: p.Val419Glu; replaces valine 419 with glutamic acid.
Molecular consequence: missense variant.
Genome position (GRCh38, 1-based): chr3:30,674,106, T>A. VCF-style: chr3-30674106-T-A. GRCh37 (hg19) VCF-style: chr3-30715598-T-A.
Other names: p.V419E:GTG>GAG; c.1331T>A, p.Val444Glu (NM_001024847.3); c.1439T>A, p.Val480Glu (NM_001407126.1); c.1364T>A, p.Val455Glu (NM_001407127.1); c.1283T>A, p.Val428Glu (NM_001407128.1); c.1259T>A, p.Val420Glu (NM_001407129.1); c.1256T>A, p.Val419Glu (NM_001407130.1); c.1151T>A, p.Val384Glu (NM_001407132.1, NM_001407133.1, NM_001407134.1 and 2 more transcripts); and 2 more; short protein forms V419E, V444E, V384E, V420E, V480E, V428E, V455E, V299E.
Identifiers: ClinVar variation 213928 (VCV000213928.3), dbSNP rs863223848, ClinGen allele CA324927.

ClinVar aggregate classification (germline): Likely pathogenic (1 of 4 stars; one submission).

Submission:

GeneDx
Classification: Likely pathogenic. Last evaluated: 2013-11-08. Review status: criteria provided, single submitter. Criteria: GeneDx Variant Classification (06012015). Collection method: clinical testing. Allele origin: germline. Affected: yes.
Comment: The Val419Glu variant in the TGFBR2 gene has not been reported as a disease-causing mutation or as a benign polymorphism to our knowledge. Val419Glu results in a non-conservative amino acid substitution of non-polar valine with a negatively charged glutamic acid at a position that is conserved across species. In silico analysis predicts Val419Glu is damaging to the protein structure/function. Mutations in nearby residues (Ala414Pro, Ala414Thr, Met425Val, Ala426Thr, Pro427Ser, Pro427Leu) have been reported in association with TAAD and related disorders, further supporting the functional importance of this region of the protein. Furthermore, the Val419Glu variant was not observed in approximately 6,500 individuals of European and African American ancestry in the NHLBI Exome Sequencing Project, indicating it is not a common benign variant in these populations.In summary, while Val419Glu is a good candidate for a disease-causing mutation, with the clinical and molecular information available at this time we cannot unequivocally determine the clinical significance of this variant. This variant was found in TGFBR2,TAAD